The following is an entry in ClinVar:

ClinVar aggregate classification (germline): Uncertain significance. Review status: criteria provided, multiple submitters, no conflicts (2 of 4 stars). 2 submissions from 2 submitters: Uncertain significance (2). Last evaluated 2025-07-31.

Conditions:
Hereditary cancer-predisposing syndrome. Also called: Hereditary neoplastic syndrome; Neoplastic Syndromes, Hereditary; Hereditary Cancer Syndrome; Tumor predisposition. Identifiers: Orphanet 140162, MedGen C0027672, MeSH D009386, MONDO:0015356.

gnomAD v4.1: 4 of 1,613,586 alleles (0.00025%); highest among the groups gnomAD compares: Non-Finnish European, 0.00025%; no homozygotes.

Submissions (2):

Labcorp Genetics (formerly Invitae), Labcorp
Classification: Uncertain significance. Last evaluated: 2025-07-31. Review status: criteria provided, single submitter. Criteria: Invitae Variant Classification Sherloc (09022015). Collection method: clinical testing. Allele origin: germline.
Comment: This sequence change replaces valine, which is neutral and non-polar, with leucine, which is neutral and non-polar, at codon 436 of the FH protein (p.Val436Leu). This variant is not present in population databases (gnomAD no frequency). This variant has not been reported in the literature in individuals affected with FH-related conditions. ClinVar contains an entry for this variant (Variation ID: 529821). Invitae Evidence Modeling of protein sequence and biophysical properties (such as structural, functional, and spatial information, amino acid conservation, physicochemical variation, residue mobility, and thermodynamic stability) has been performed for this missense variant. However, the output from this modeling did not meet the statistical confidence thresholds required to predict the impact of this variant on FH protein function. In summary, the available evidence is currently insufficient to determine the role of this variant in disease. Therefore, it has been classified as a Variant of Uncertain Significance.

Ambry Genetics
Classification: Uncertain significance for Hereditary cancer-predisposing syndrome. Last evaluated: 2023-08-10. Review status: criteria provided, single submitter. Criteria: Ambry Variant Classification Scheme 2023. Collection method: clinical testing. Allele origin: germline.
Comment: The p.V436L variant (also known as c.1306G>T), located in coding exon 9 of the FH gene, results from a G to T substitution at nucleotide position 1306. The valine at codon 436 is replaced by leucine, an amino acid with highly similar properties. This amino acid position is highly conserved in available vertebrate species. In addition, the in silico prediction for this alteration is inconclusive. Since supporting evidence is limited at this time, the clinical significance of this alteration remains unclear.

NM_000143.4(FH):c.1306G>T (p.Val436Leu)

Gene: FH (fumarate hydratase; minus strand). Cytogenetic location: 1q43.
Variant type: single nucleotide variant.
Coding change: c.1306G>T on transcript NM_000143.4 (MANE Select); coding-DNA position 1306, G replaced by T.
Protein change: p.Val436Leu; replaces valine 436 with leucine.
Molecular consequence: missense variant.
Genome position (GRCh38, 1-based): chr1:241,500,521, C>A on the plus strand (G>T on the coding strand, the complement: FH is on the minus strand). VCF-style: chr1-241500521-C-A. GRCh37 (hg19) VCF-style: chr1-241663821-C-A.
Other names: short protein forms V436L.
Identifiers: ClinVar variation 529821 (VCV000529821.12), dbSNP rs1324526971, ClinGen allele CA345436664.
Genomic context (GRCh38, chr1:241,500,521, plus strand): 5'-CCAACATTAGAGACTCATTCATCAGCTTGTTGATCCTTTCTGTATTGGCCTGGATTCCCA[C>A]CACGCAGTTTTCTGTAAAGGAAACTGAAGCATCCCCCAGCAGCCTGGCTGAGTGTAACAC-3'
Protein context (NP_000134.2, residues 426-446): ASVSFTENCV[Val436Leu]GIQANTERIN